The following is an entry in ClinVar:

ClinVar aggregate classification (germline): Uncertain significance (1 of 4 stars; one submission).

Allele frequency attached by ClinVar (database versions not stated): TOPMed 0.00001.

Submission:

Labcorp Genetics (formerly Invitae), Labcorp
Classification: Uncertain significance. Last evaluated: 2022-06-13. Review status: criteria provided, single submitter. Criteria: Invitae Variant Classification Sherloc (09022015). Collection method: clinical testing. Allele origin: germline.
Comment: This variant is not present in population databases (gnomAD no frequency). This sequence change replaces glutamic acid, which is acidic and polar, with alanine, which is neutral and non-polar, at codon 19 of the GALNT12 protein (p.Glu19Ala). This variant has not been reported in the literature in individuals affected with GALNT12-related conditions. In summary, the available evidence is currently insufficient to determine the role of this variant in disease. Therefore, it has been classified as a Variant of Uncertain Significance. Algorithms developed to predict the effect of missense changes on protein structure and function output the following: SIFT: "Tolerated"; PolyPhen-2: "Not Available"; Align-GVGD: "Class C0". The alanine amino acid residue is found in multiple mammalian species, which suggests that this missense change does not adversely affect protein function. ClinVar contains an entry for this variant (Variation ID: 1005177).

NM_024642.5(GALNT12):c.56A>C (p.Glu19Ala)

Genes: GALNT12 (polypeptide N-acetylgalactosaminyltransferase 12; plus strand), LOC130002222 (ATAC-STARR-seq lymphoblastoid silent region 20123; plus strand). Cytogenetic location: 9q22.33.
Variant type: single nucleotide variant.
Coding change: c.56A>C on transcript NM_024642.5 (MANE Select); coding-DNA position 56, A replaced by C.
Protein change: p.Glu19Ala; replaces glutamic acid 19 with alanine.
Molecular consequence: missense variant.
Genome position (GRCh38, 1-based): chr9:98,807,754, A>C. VCF-style: chr9-98807754-A-C. GRCh37 (hg19) VCF-style: chr9-101570036-A-C.
Other names: short protein forms E19A.
Identifiers: ClinVar variation 1005177 (VCV001005177.9), dbSNP rs1233215782, ClinGen allele CA374222139.